The following is an entry in ClinVar:

NM_024809.5(TCTN2):c.92C>T (p.Pro31Leu)

Gene: TCTN2 (tectonic family member 2; plus strand). Cytogenetic location: 12q24.31.
Variant type: single nucleotide variant.
Coding change: c.92C>T on transcript NM_024809.5 (MANE Select); coding-DNA position 92, C replaced by T.
Protein change: p.Pro31Leu; replaces proline 31 with leucine.
Molecular consequence: missense variant.
Genome position (GRCh38, 1-based): chr12:123,671,516, C>T. VCF-style: chr12-123671516-C-T. GRCh37 (hg19) VCF-style: chr12-124156063-C-T.
Other names: c.92C>T, p.Pro31Leu (NM_001143850.3); short protein forms P31L.
Identifiers: ClinVar variation 1435137 (VCV001435137.6), dbSNP rs1009530513, ClinGen allele CA387154981.

ClinVar aggregate classification (germline): Uncertain significance (1 of 4 stars; one submission).

Conditions:
Joubert syndrome. Also called: CEREBELLOPARENCHYMAL DISORDER IV; JOUBERT-BOLTSHAUSER SYNDROME; Familial aplasia of the vermis. Identifiers: Orphanet 475, MedGen C5979921, MONDO:0018772.
Meckel-Gruber syndrome. Also called: DYSENCEPHALIA SPLANCHNOCYSTICA; GRUBER SYNDROME; Dysencephalia splachnocystica. Identifiers: Orphanet 564, MedGen C0265215, MONDO:0018921.

gnomAD v4.1: 1 of 1,614,154 alleles (0.000062%); highest among the groups gnomAD compares: South Asian, 0.0011%; no homozygotes.

Submission:

Labcorp Genetics (formerly Invitae), Labcorp
Classification: Uncertain significance for Joubert syndrome; Meckel-Gruber syndrome. Last evaluated: 2021-11-02. Review status: criteria provided, single submitter. Criteria: Invitae Variant Classification Sherloc (09022015). Collection method: clinical testing. Allele origin: germline.
Comment: In summary, the available evidence is currently insufficient to determine the role of this variant in disease. Therefore, it has been classified as a Variant of Uncertain Significance. Algorithms developed to predict the effect of missense changes on protein structure and function are either unavailable or do not agree on the potential impact of this missense change (SIFT: "Deleterious"; PolyPhen-2: "Probably Damaging"; Align-GVGD: "Class C0"). This variant has not been reported in the literature in individuals affected with TCTN2-related conditions. This variant is not present in population databases (gnomAD no frequency). This sequence change replaces proline, which is neutral and non-polar, with leucine, which is neutral and non-polar, at codon 31 of the TCTN2 protein (p.Pro31Leu).